The following is an entry in ClinVar:

ClinVar aggregate classification (germline): Uncertain significance. Review status: criteria provided, multiple submitters, no conflicts (2 of 4 stars). 2 submissions from 2 submitters: Uncertain significance (2). Last evaluated 2024-08-20.

Submissions (2):

Labcorp Genetics (formerly Invitae), Labcorp
Classification: Uncertain significance. Last evaluated: 2024-08-20. Review status: criteria provided, single submitter. Criteria: Invitae Variant Classification Sherloc (09022015). Collection method: clinical testing. Allele origin: germline.
Comment: This sequence change replaces cysteine, which is neutral and slightly polar, with tyrosine, which is neutral and polar, at codon 70 of the PAX3 protein (p.Cys70Tyr). This variant is not present in population databases (gnomAD no frequency). This missense change has been observed in individual(s) with Waardenburg syndrome (internal data). Invitae Evidence Modeling of protein sequence and biophysical properties (such as structural, functional, and spatial information, amino acid conservation, physicochemical variation, residue mobility, and thermodynamic stability) has been performed for this missense variant. However, the output from this modeling did not meet the statistical confidence thresholds required to predict the impact of this variant on PAX3 protein function. This variant disrupts the p.Cys70 amino acid residue in PAX3. Other variant(s) that disrupt this residue have been observed in individuals with PAX3-related conditions (PMID: 37000337), which suggests that this may be a clinically significant amino acid residue. In summary, the available evidence is currently insufficient to determine the role of this variant in disease. Therefore, it has been classified as a Variant of Uncertain Significance.

Blueprint Genetics
Classification: Uncertain significance. Last evaluated: 2023-10-24. Review status: criteria provided, single submitter. Criteria: ACMG Guidelines, 2015. Collection method: clinical testing. Allele origin: germline.

Literature cited by the submitters: PubMed 37000337 (cited by Labcorp Genetics (formerly Invitae), Labcorp).

NM_181458.4(PAX3):c.209G>A (p.Cys70Tyr)

Gene: PAX3 (paired box 3; minus strand). Cytogenetic location: 2q36.1.
Variant type: single nucleotide variant.
Coding change: c.209G>A on transcript NM_181458.4 (MANE Select); coding-DNA position 209, G replaced by A.
Protein change: p.Cys70Tyr; replaces cysteine 70 with tyrosine.
Molecular consequence: missense variant.
Genome position (GRCh38, 1-based): chr2:222,297,090, C>T on the plus strand (G>A on the coding strand, the complement: PAX3 is on the minus strand). VCF-style: chr2-222297090-C-T. GRCh37 (hg19) VCF-style: chr2-223161809-C-T.
Other names: c.209G>A, p.Cys70Tyr (NM_000438.6, NM_001127366.3, NM_013942.5 and 4 more transcripts); short protein forms C70Y.
Identifiers: ClinVar variation 3657431 (VCV003657431.3).